The following is an entry in ClinVar:

ClinVar aggregate classification (germline): Likely benign. Review status: criteria provided, multiple submitters, no conflicts (2 of 4 stars). 3 submissions from 3 submitters: Likely benign (3). Last evaluated 2024-07-20.

Conditions:
Arrhythmogenic right ventricular cardiomyopathy (ARVD). Also called: Cardiomyopathy, ARVC; Arrhythmogenic right ventricular dysplasia; Arrhythmogenic cardiomyopathy; Arrhythmogenic Right Ventricular Cardiomyopathy (ARVC). Identifiers: Orphanet 247, MedGen C0349788, MeSH D019571, MONDO:0016587. Disease mechanism: loss of function. Inheritance: Various modes of inheritance.
Cardiovascular phenotype. Identifiers: MedGen CN230736.
Arrhythmogenic right ventricular dysplasia 9 (ARVD9). Also called: Arrhythmogenic Right Ventricular Dysplasia/Cardiomyopathy 9; ARRHYTHMOGENIC RIGHT VENTRICULAR DYSPLASIA, FAMILIAL, 9. Identifiers: MedGen C1836906, MONDO:0012180, OMIM 609040.

Allele frequency attached by ClinVar (database versions not stated): gnomAD exomes below 0.00001 and 0.00001.
gnomAD v4.1: 12 of 1,614,248 alleles (0.00074%); highest among the groups gnomAD compares: Non-Finnish European, 0.00093%; no homozygotes.

Submissions (3):

All of Us Research Program, National Institutes of Health
Classification: Likely benign for Arrhythmogenic right ventricular cardiomyopathy. Last evaluated: 2024-07-20. Review status: criteria provided, single submitter. Criteria: ACMG Guidelines, 2015. Collection method: clinical testing. Allele origin: germline. Inheritance: Autosomal dominant inheritance. Observed: 2 variant alleles, 2 heterozygotes.
Comment: This study involves interpretation of variants in research participants for the purpose of population health screening. Participant phenotype was not available at the time of variant classification. Additional details can be found in publication PMID: 35346344, PMCID: PMC8962531

Ambry Genetics
Classification: Likely benign for Cardiovascular phenotype. Last evaluated: 2022-05-02. Review status: criteria provided, single submitter. Criteria: Ambry Variant Classification Scheme 2023. Collection method: clinical testing. Allele origin: germline.

Labcorp Genetics (formerly Invitae), Labcorp
Classification: Likely benign for Arrhythmogenic right ventricular dysplasia 9. Last evaluated: 2022-03-23. Review status: criteria provided, single submitter. Criteria: Invitae Variant Classification Sherloc (09022015). Collection method: clinical testing. Allele origin: germline.

NM_001005242.3(PKP2):c.750C>T (p.Arg250=)

Gene: PKP2 (plakophilin 2; minus strand). Cytogenetic location: 12p11.21.
Variant type: single nucleotide variant.
Coding change: c.750C>T on transcript NM_001005242.3 (MANE Select); coding-DNA position 750, C replaced by T.
Protein change: p.Arg250=; no amino-acid change (arginine 250 retained).
Molecular consequence: synonymous variant.
Genome position (GRCh38, 1-based): chr12:32,878,130, G>A on the plus strand (C>T on the coding strand, the complement: PKP2 is on the minus strand). VCF-style: chr12-32878130-G-A. GRCh37 (hg19) VCF-style: chr12-33031064-G-A.
Other names: c.750C>T, p.Arg250= (NM_004572.4).
Identifiers: ClinVar variation 1094158 (VCV001094158.13), dbSNP rs1327751203, ClinGen allele CA479387501.